The following is an entry in ClinVar:

ClinVar aggregate classification (germline): Uncertain significance (1 of 4 stars; one submission).

Conditions:
Lethal multiple pterygium syndrome (LMPS). Identifiers: Orphanet 33108, MedGen C1854678, MONDO:0009668, OMIM 253290.

Submission:

Labcorp Genetics (formerly Invitae), Labcorp
Classification: Uncertain significance for Lethal multiple pterygium syndrome. Last evaluated: 2024-09-29. Review status: criteria provided, single submitter. Criteria: Invitae Variant Classification Sherloc (09022015). Collection method: clinical testing. Allele origin: germline.
Comment: This sequence change replaces histidine, which is basic and polar, with asparagine, which is neutral and polar, at codon 334 of the CHRND protein (p.His334Asn). This variant is present in population databases (rs576315583, gnomAD 0.007%). This variant has not been reported in the literature in individuals affected with CHRND-related conditions. Invitae Evidence Modeling of protein sequence and biophysical properties (such as structural, functional, and spatial information, amino acid conservation, physicochemical variation, residue mobility, and thermodynamic stability) indicates that this missense variant is not expected to disrupt CHRND protein function with a negative predictive value of 80%. In summary, the available evidence is currently insufficient to determine the role of this variant in disease. Therefore, it has been classified as a Variant of Uncertain Significance.

NM_000751.3(CHRND):c.1000C>A (p.His334Asn)

Gene: CHRND (cholinergic receptor nicotinic delta subunit; plus strand). Cytogenetic location: 2q37.1.
Variant type: single nucleotide variant.
Coding change: c.1000C>A on transcript NM_000751.3 (MANE Select); coding-DNA position 1000, C replaced by A.
Protein change: p.His334Asn; replaces histidine 334 with asparagine.
Molecular consequence: missense variant.
Genome position (GRCh38, 1-based): chr2:232,531,609, C>A. VCF-style: chr2-232531609-C-A. GRCh37 (hg19) VCF-style: chr2-233396319-C-A.
Other names: c.955C>A, p.His319Asn (NM_001256657.2); c.418C>A, p.His140Asn (NM_001311195.2); c.697C>A, p.His233Asn (NM_001311196.2); short protein forms H233N, H140N, H319N, H334N.
Identifiers: ClinVar variation 3714893 (VCV003714893.2).